The following is an entry in ClinVar:

NM_014679.5(CEP57):c.217C>T (p.Leu73Phe)

Gene: CEP57 (centrosomal protein 57; plus strand). Cytogenetic location: 11q21.
Variant type: single nucleotide variant.
Coding change: c.217C>T on transcript NM_014679.5 (MANE Select); coding-DNA position 217, C replaced by T.
Protein change: p.Leu73Phe; replaces leucine 73 with phenylalanine.
Molecular consequence: missense variant.
Genome position (GRCh38, 1-based): chr11:95,812,946, C>T. VCF-style: chr11-95812946-C-T. GRCh37 (hg19) VCF-style: chr11-95546110-C-T.
Other names: c.217C>T (NM_014679.4); c.190C>T, p.Leu64Phe (NM_001243776.2); c.217C>T, p.Leu73Phe (NM_001243777.2); c.136C>T, p.Leu46Phe (NM_001363604.2); short protein forms L46F, L64F, L73F.
Identifiers: ClinVar variation 1010140 (VCV001010140.10), dbSNP rs1862131809, ClinGen allele CA382419897.

ClinVar aggregate classification (germline): Uncertain significance. Review status: criteria provided, multiple submitters, no conflicts (2 of 4 stars). 2 submissions from 2 submitters: Uncertain significance (2). Last evaluated 2025-12-03.

Conditions:
Mosaic variegated aneuploidy syndrome 2 (MVA2). Identifiers: Orphanet 1052, MedGen C3279843, MONDO:0013582, OMIM 614114.
Inborn genetic diseases. Identifiers: MedGen C0950123, MeSH D030342.

Allele frequency attached by ClinVar (database versions not stated): gnomAD exomes below 0.00001; TOPMed below 0.00001.

Submissions (2):

Ambry Genetics
Classification: Uncertain significance for Inborn genetic diseases. Last evaluated: 2025-12-03. Review status: criteria provided, single submitter. Criteria: Ambry Variant Classification Scheme 2023. Collection method: clinical testing. Allele origin: germline.

Labcorp Genetics (formerly Invitae), Labcorp
Classification: Uncertain significance for Mosaic variegated aneuploidy syndrome 2. Last evaluated: 2024-07-08. Review status: criteria provided, single submitter. Criteria: Invitae Variant Classification Sherloc (09022015). Collection method: clinical testing. Allele origin: germline.
Comment: This sequence change replaces leucine, which is neutral and non-polar, with phenylalanine, which is neutral and non-polar, at codon 73 of the CEP57 protein (p.Leu73Phe). This variant is not present in population databases (gnomAD no frequency). This variant has not been reported in the literature in individuals affected with CEP57-related conditions. ClinVar contains an entry for this variant (Variation ID: 1010140). Advanced modeling of protein sequence and biophysical properties (such as structural, functional, and spatial information, amino acid conservation, physicochemical variation, residue mobility, and thermodynamic stability) performed at Invitae indicates that this missense variant is expected to disrupt CEP57 protein function with a positive predictive value of 80%. In summary, the available evidence is currently insufficient to determine the role of this variant in disease. Therefore, it has been classified as a Variant of Uncertain Significance.